The following is an entry in ClinVar:

NM_001368882.1(COL13A1):c.434T>C (p.Val145Ala)

Gene: COL13A1 (collagen type XIII alpha 1 chain; plus strand). Cytogenetic location: 10q22.1.
Variant type: single nucleotide variant.
Coding change: c.434T>C on transcript NM_001368882.1 (MANE Select); coding-DNA position 434, T replaced by C.
Protein change: p.Val145Ala; replaces valine 145 with alanine.
Molecular consequence: missense variant. On other transcripts: intron variant (9).
Genome position (GRCh38, 1-based): chr10:69,875,162, T>C. VCF-style: chr10-69875162-T-C. GRCh37 (hg19) VCF-style: chr10-71634918-T-C.
Other names: c.434T>C, p.Val145Ala (NM_001130103.2, NM_001320951.2, NM_001368884.1 and 3 more transcripts); c.-254-2877T>C (NM_001368886.1); c.400-2877T>C (NM_001368883.1, NM_001368885.1); c.399+2952T>C (NM_080805.4, NM_001368897.1); c.373-5341T>C (NM_001368895.1); c.372+7357T>C (NM_001368898.1, NM_080798.4, NM_001368896.1); short protein forms V145A.
Identifiers: ClinVar variation 1513031 (VCV001513031.6), dbSNP rs756894678, ClinGen allele CA5534140.

ClinVar aggregate classification (germline): Uncertain significance (1 of 4 stars; one submission).

Allele frequency attached by ClinVar (database versions not stated): gnomAD exomes below 0.00001 and 0.00002; ExAC 0.00002.
gnomAD v4.1: 2 of 1,613,972 alleles (0.00012%); highest among the groups gnomAD compares: Admixed American, 0.0033%; no homozygotes.

Submission:

Labcorp Genetics (formerly Invitae), Labcorp
Classification: Uncertain significance. Last evaluated: 2025-07-07. Review status: criteria provided, single submitter. Criteria: Invitae Variant Classification Sherloc (09022015). Collection method: clinical testing. Allele origin: germline.
Comment: This sequence change replaces valine, which is neutral and non-polar, with alanine, which is neutral and non-polar, at codon 145 of the COL13A1 protein (p.Val145Ala). This variant is present in population databases (rs756894678, gnomAD 0.01%). This variant has not been reported in the literature in individuals affected with COL13A1-related conditions. ClinVar contains an entry for this variant (Variation ID: 1513031). An algorithm developed to predict the effect of missense changes on protein structure and function (PolyPhen-2) suggests that this variant is likely to be disruptive. In summary, the available evidence is currently insufficient to determine the role of this variant in disease. Therefore, it has been classified as a Variant of Uncertain Significance.